The following is an entry in ClinVar:

NM_001127222.2(CACNA1A):c.6780+256G>C

Genes: CACNA1A (calcium voltage-gated channel subunit alpha1 A; minus strand), LOC130063715 (ATAC-STARR-seq lymphoblastoid active region 14125; plus strand). Cytogenetic location: 19p13.13.
Variant type: single nucleotide variant.
Coding change: c.6780+256G>C on transcript NM_001127222.2 (MANE Select); 256 bases into the intron after coding-DNA position 6780, G replaced by C.
Molecular consequence: intron variant.
Genome position (GRCh38, 1-based): chr19:13,208,500, C>G on the plus strand (G>C on the coding strand, the complement: CACNA1A is on the minus strand). VCF-style: chr19-13208500-C-G. GRCh37 (hg19) VCF-style: chr19-13319314-C-G.
Other names: c.6783+256G>C (NM_001127221.2); c.6789+256G>C (NM_001174080.2); c.6798+256G>C (NM_000068.4, NM_023035.3).
Identifiers: ClinVar variation 668052 (VCV000668052.1), dbSNP rs11666294, ClinGen allele CA305547044.

ClinVar aggregate classification (germline): Benign (1 of 4 stars; one submission).

Allele frequency attached by ClinVar (database versions not stated): 1000 Genomes Project 0.60723; 1000 Genomes Project 30x 0.60759; TOPMed 0.61385; gnomAD 0.63596 and 0.63878.
gnomAD v4.1: 91,396 of 143,844 alleles (64%); highest among the groups gnomAD compares: East Asian, 77%; 28,532 homozygotes.

Submission:

GeneDx
Classification: Benign. Last evaluated: 2018-06-18. Review status: criteria provided, single submitter. Criteria: GeneDx Variant Classification (06012015). Collection method: clinical testing. Allele origin: germline. Affected: yes.
Comment: This variant is considered likely benign or benign based on one or more of the following criteria: it is a conservative change, it occurs at a poorly conserved position in the protein, it is predicted to be benign by multiple in silico algorithms, and/or has population frequency not consistent with disease.